The following is an entry in ClinVar:

NM_001134363.3(RBM20):c.1779A>T (p.Arg593Ser)

Gene: RBM20 (RNA binding motif protein 20; plus strand). Cytogenetic location: 10q25.2.
Variant type: single nucleotide variant.
Coding change: c.1779A>T on transcript NM_001134363.3 (MANE Select); coding-DNA position 1779, A replaced by T.
Protein change: p.Arg593Ser; replaces arginine 593 with serine.
Molecular consequence: missense variant.
Genome position (GRCh38, 1-based): chr10:110,799,897, A>T. VCF-style: chr10-110799897-A-T. GRCh37 (hg19) VCF-style: chr10-112559655-A-T.
Other names: short protein forms R593S.
Identifiers: ClinVar variation 229185 (VCV000229185.5), dbSNP rs876657973, ClinGen allele CA10576767.

ClinVar aggregate classification (germline): Uncertain significance (1 of 4 stars; one submission).

Submission:

Laboratory for Molecular Medicine, Mass General Brigham Personalized Medicine
Classification: Uncertain significance. Last evaluated: 2015-06-11. Review status: criteria provided, single submitter. Criteria: LMM Criteria. Collection method: clinical testing. Allele origin: germline. Observed: 1 variant allele.
Comment: The p.Arg593Ser variant in RBM20 has not been previously reported in individuals with cardiomyopathy or in large population studies. Computational prediction to ols and conservation analysis suggest that the variant may impact the protein, t hough this information is not predictive enough to determine pathogenicity. In s ummary, the clinical significance of the p.Arg593Ser variant is uncertain.